The following is an entry in ClinVar:

NM_015512.5(DNAH1):c.12757A>G (p.Ile4253Val)

Gene: DNAH1 (dynein axonemal heavy chain 1; plus strand). Cytogenetic location: 3p21.1.
Variant type: single nucleotide variant.
Coding change: c.12757A>G on transcript NM_015512.5 (MANE Select); coding-DNA position 12757, A replaced by G.
Protein change: p.Ile4253Val; replaces isoleucine 4253 with valine.
Molecular consequence: missense variant.
Genome position (GRCh38, 1-based): chr3:52,400,405, A>G. VCF-style: chr3-52400405-A-G. GRCh37 (hg19) VCF-style: chr3-52434421-A-G.
Other names: short protein forms I4253V.
Identifiers: ClinVar variation 1517355 (VCV001517355.8), dbSNP rs527445118, ClinGen allele CA2436551.

ClinVar aggregate classification (germline): Uncertain significance (1 of 4 stars; one submission).

Conditions:
Spermatogenic failure 18. Identifiers: MedGen C4539783, MONDO:0054615, OMIM 617576.
Ciliary dyskinesia, primary, 37 (CILD37). Also called: CILIARY DYSKINESIA, PRIMARY, 37, WITH OR WITHOUT SITUS INVERSUS. Identifiers: MedGen C4539798, MONDO:0033204, OMIM 617577.

Allele frequency attached by ClinVar (database versions not stated): gnomAD 0.00001; gnomAD exomes 0.00001 and below 0.00001; 1000 Genomes Project 0.00020; 1000 Genomes Project 30x 0.00031; TOPMed below 0.00001; ExAC 0.00001.
gnomAD v4.1: 2 of 1,614,062 alleles (0.00012%); highest among the groups gnomAD compares: African/African-American, 0.0013%; no homozygotes.

Submission:

Labcorp Genetics (formerly Invitae), Labcorp
Classification: Uncertain significance for Ciliary dyskinesia, primary, 37; Spermatogenic failure 18. Last evaluated: 2021-03-18. Review status: criteria provided, single submitter. Criteria: Invitae Variant Classification Sherloc (09022015). Collection method: clinical testing. Allele origin: germline.
Comment: This sequence change replaces isoleucine with valine at codon 4253 of the DNAH1 protein (p.Ile4253Val). The isoleucine residue is highly conserved and there is a small physicochemical difference between isoleucine and valine. In summary, the available evidence is currently insufficient to determine the role of this variant in disease. Therefore, it has been classified as a Variant of Uncertain Significance. Algorithms developed to predict the effect of sequence changes on RNA splicing suggest that this variant may create or strengthen a splice site, but this prediction has not been confirmed by published transcriptional studies. Algorithms developed to predict the effect of missense changes on protein structure and function output the following: SIFT: "Deleterious"; PolyPhen-2: "Benign"; Align-GVGD: "Class C0". The valine amino acid residue is found in multiple mammalian species, suggesting that this missense change does not adversely affect protein function. These predictions have not been confirmed by published functional studies and their clinical significance is uncertain. This variant has not been reported in the literature in individuals with DNAH1-related conditions. This variant is present in population databases (rs527445118, ExAC 0.001%).